The following is an entry in ClinVar:

ClinVar aggregate classification (germline): Uncertain significance. Review status: criteria provided, multiple submitters, no conflicts (2 of 4 stars). 2 submissions from 2 submitters: Uncertain significance (2). Last evaluated 2026-01-18.

Conditions:
Hereditary cancer-predisposing syndrome. Also called: Neoplastic Syndromes, Hereditary; Hereditary neoplastic syndrome; Tumor predisposition; Hereditary Cancer Syndrome. Identifiers: Orphanet 140162, MedGen C0027672, MeSH D009386, MONDO:0015356.

Allele frequency attached by ClinVar (database versions not stated): gnomAD 0.00001; gnomAD exomes below 0.00001.
gnomAD v4.1: 3 of 1,614,090 alleles (0.00019%); highest among the groups gnomAD compares: East Asian, 0.0067%; no homozygotes.

Submissions (2):

Ambry Genetics
Classification: Uncertain significance for Hereditary cancer-predisposing syndrome. Last evaluated: 2026-01-18. Review status: criteria provided, single submitter. Criteria: Ambry Variant Classification Scheme 2023. Collection method: clinical testing. Allele origin: germline.
Comment: The p.L98V variant (also known as c.292T>G), located in coding exon 4 of the POLE gene, results from a T to G substitution at nucleotide position 292. The leucine at codon 98 is replaced by valine, an amino acid with highly similar properties. This amino acid position is conserved. In addition, this alteration is predicted to be tolerated by in silico analysis. Based on the available evidence, the clinical significance of this variant remains unclear.

Labcorp Genetics (formerly Invitae), Labcorp
Classification: Uncertain significance. Last evaluated: 2025-09-05. Review status: criteria provided, single submitter. Criteria: Invitae Variant Classification Sherloc (09022015). Collection method: clinical testing. Allele origin: germline.
Comment: This sequence change replaces leucine, which is neutral and non-polar, with valine, which is neutral and non-polar, at codon 98 of the POLE protein (p.Leu98Val). This variant is not present in population databases (gnomAD no frequency). This variant has not been reported in the literature in individuals affected with POLE-related conditions. ClinVar contains an entry for this variant (Variation ID: 649234). Invitae Evidence Modeling of protein sequence and biophysical properties (such as structural, functional, and spatial information, amino acid conservation, physicochemical variation, residue mobility, and thermodynamic stability) indicates that this missense variant is not expected to disrupt POLE protein function with a negative predictive value of 80%. In summary, the available evidence is currently insufficient to determine the role of this variant in disease. Therefore, it has been classified as a Variant of Uncertain Significance.

NM_006231.4(POLE):c.292T>G (p.Leu98Val)

Gene: POLE (DNA polymerase epsilon, catalytic subunit; minus strand). Cytogenetic location: 12q24.33.
Variant type: single nucleotide variant.
Coding change: c.292T>G on transcript NM_006231.4 (MANE Select); coding-DNA position 292, T replaced by G.
Protein change: p.Leu98Val; replaces leucine 98 with valine.
Molecular consequence: missense variant.
Genome position (GRCh38, 1-based): chr12:132,680,216, A>C on the plus strand (T>G on the coding strand, the complement: POLE is on the minus strand). VCF-style: chr12-132680216-A-C. GRCh37 (hg19) VCF-style: chr12-133256802-A-C.
Other names: c.292T>G (NM_006231.2); short protein forms L98V.
Identifiers: ClinVar variation 649234 (VCV000649234.9), dbSNP rs1593086455, ClinGen allele CA387368832.
Genomic context (GRCh38, chr12:132,680,216, plus strand): 5'-TGAGTCTATGAAACACACTCACCTTTCTGGTCGCAATGTAGAAATACGGTTTATAGGGCA[A>C]AGCCACCTGTTAAGAGTCACCAACCCATCCAGGGGTGATGAGAAAGAAGAAAGCGAGAGA-3'
Protein context (NP_006222.2, residues 88-108): QDDGSRFKVA[Leu98Val]PYKPYFYIAT